The following is an entry in ClinVar:

ClinVar aggregate classification (germline): Uncertain significance (1 of 4 stars; one submission).

Conditions:
Paget disease of bone 2, early-onset (PDB2). Also called: Paget disease of bone 2. Identifiers: MedGen C4085251, MONDO:0011183, OMIM 602080.
Frontotemporal dementia and/or amyotrophic lateral sclerosis 1 (FTDALS1). Also called: Frontotemporal dementia with motor neuron disease 1; C9orf72 Frontotemporal Dementia and/or Amyotrophic Lateral Sclerosis. Identifiers: Orphanet 275872, MedGen C5779877, MONDO:0007105, OMIM 105550.

Submission:

Labcorp Genetics (formerly Invitae), Labcorp
Classification: Uncertain significance for Paget disease of bone 2, early-onset; Frontotemporal dementia and/or amyotrophic lateral sclerosis 1. Last evaluated: 2022-04-15. Review status: criteria provided, single submitter. Criteria: Invitae Variant Classification Sherloc (09022015). Collection method: clinical testing. Allele origin: germline.
Comment: This variant has not been reported in the literature in individuals affected with SQSTM1-related conditions. This sequence change replaces serine, which is neutral and polar, with threonine, which is neutral and polar, at codon 243 of the SQSTM1 protein (p.Ser243Thr). This variant is not present in population databases (gnomAD no frequency). Algorithms developed to predict the effect of missense changes on protein structure and function (SIFT, PolyPhen-2, Align-GVGD) all suggest that this variant is likely to be tolerated. In summary, the available evidence is currently insufficient to determine the role of this variant in disease. Therefore, it has been classified as a Variant of Uncertain Significance.

NM_003900.5(SQSTM1):c.728G>C (p.Ser243Thr)

Gene: SQSTM1 (sequestosome 1; plus strand). Cytogenetic location: 5q35.3.
Variant type: single nucleotide variant.
Coding change: c.728G>C on transcript NM_003900.5 (MANE Select); coding-DNA position 728, G replaced by C.
Protein change: p.Ser243Thr; replaces serine 243 with threonine.
Molecular consequence: missense variant.
Genome position (GRCh38, 1-based): chr5:179,825,200, G>C. VCF-style: chr5-179825200-G-C. GRCh37 (hg19) VCF-style: chr5-179252200-G-C.
Other names: c.476G>C, p.Ser159Thr (NM_001142298.2, NM_001142299.2); short protein forms S243T, S159T.
Identifiers: ClinVar variation 2144952 (VCV002144952.4), dbSNP rs1325278483, ClinGen allele CA362446599.